The following is an entry in ClinVar:

NM_000091.5(COL4A3):c.2881+1G>T

Genes: COL4A3 (collagen type IV alpha 3 chain; plus strand), MFF-DT (MFF divergent transcript; minus strand). Cytogenetic location: 2q36.3.
Variant type: single nucleotide variant.
Coding change: c.2881+1G>T on transcript NM_000091.5 (MANE Select); the canonical splice donor site of the intron after coding-DNA position 2881, G replaced by T.
Molecular consequence: splice donor variant.
Genome position (GRCh38, 1-based): chr2:227,284,346, G>T. VCF-style: chr2-227284346-G-T. GRCh37 (hg19) VCF-style: chr2-228149062-G-T.
Identifiers: ClinVar variation 562376 (VCV000562376.5), dbSNP rs1559899827, ClinGen allele CA350852603.

ClinVar aggregate classification (germline): Pathogenic/Likely pathogenic. Review status: criteria provided, multiple submitters, no conflicts (2 of 4 stars). 3 submissions from 3 submitters: Pathogenic (1); Likely pathogenic (1). 1 of the submissions does not count toward it. Last evaluated 2024-07-30.

Submissions (3):

GeneDx
Classification: Likely pathogenic. Last evaluated: 2024-07-30. Review status: criteria provided, single submitter. Criteria: GeneDx Variant Classification Process June 2021. Collection method: clinical testing. Allele origin: germline. Affected: yes.
Comment: Reported in a patient with chronic kidney disease in published literature (PMID: 30586318); Canonical splice site variant predicted to result in in-frame deletion within a critical region. Variant damages or destroys the canonical splice donor site in intron 34, and is expected to cause abnormal gene splicing; if the splice outcome is exon skip, the loss of the encoded residues in the triple helical region is expected to disrupt normal protein folding and function; Not observed at significant frequency in large population cohorts (gnomAD); This variant is associated with the following publications: (PMID: 30586318)

Labcorp Genetics (formerly Invitae), Labcorp
Classification: Pathogenic. Last evaluated: 2023-03-04. Review status: criteria provided, single submitter. Criteria: Invitae Variant Classification Sherloc (09022015). Collection method: clinical testing. Allele origin: germline.
Comment: Disruption of this splice site has been observed in individuals with Alport syndrome (PMID: 30586318, 35800347, 35880347). It has also been observed to segregate with disease in related individuals. This sequence change affects a donor splice site in intron 34 of the COL4A3 gene. It is expected to disrupt RNA splicing. Variants that disrupt the donor or acceptor splice site typically lead to a loss of protein function (PMID: 16199547), and loss-of-function variants in COL4A3 are known to be pathogenic (PMID: 8956999, 24854265, 26809805, 27281700). This variant is not present in population databases (gnomAD no frequency). ClinVar contains an entry for this variant (Variation ID: 562376). Algorithms developed to predict the effect of sequence changes on RNA splicing suggest that this variant may disrupt the consensus splice site. For these reasons, this variant has been classified as Pathogenic.

Gharavi Laboratory, Columbia University
Classification: Pathogenic. Last evaluated: 2018-09-16. Review status: no assertion criteria provided. Criteria: ACMG Guidelines, 2015. Collection method: research. Allele origin: germline. Affected: yes. Not counted in ClinVar's aggregate classification.

Literature cited by the submitters: PubMed 30586318 (cited by Labcorp Genetics (formerly Invitae), Labcorp); PubMed 35800347 (cited by Labcorp Genetics (formerly Invitae), Labcorp); PubMed 35880347 (cited by Labcorp Genetics (formerly Invitae), Labcorp); PubMed 16199547 (cited by Labcorp Genetics (formerly Invitae), Labcorp); PubMed 8956999 (cited by Labcorp Genetics (formerly Invitae), Labcorp); PubMed 24854265 (cited by Labcorp Genetics (formerly Invitae), Labcorp); PubMed 26809805 (cited by Labcorp Genetics (formerly Invitae), Labcorp); PubMed 27281700 (cited by Labcorp Genetics (formerly Invitae), Labcorp).